The following is an entry in ClinVar:

Conditions:
Breast-ovarian cancer, familial, susceptibility to, 1 (BROVCA1). Also called: BRCA1 Hereditary Breast and Ovarian Cancer; OVARIAN CANCER, SUSCEPTIBILITY TO. Identifiers: Orphanet 145, MedGen C2676676, MONDO:0011450, OMIM 604370. Disease mechanism: loss of function.

Submission:

Brotman Baty Institute, University of Washington
No classification provided (evidence only). Condition: Breast-ovarian cancer, familial 1. Review status: no classification provided. Collection method: in vitro. Allele origin: not applicable. Functional consequence: functionally_normal.
ClinVar note: "not provided" was previously submitted as the classification for the variant. However, the classification appeared to be based only on an observation of functional data so it was converted to no classification on 2025-07-30.

NM_007294.4(BRCA1):c.42C>G (p.Val14=)

Gene: BRCA1 (BRCA1 DNA repair associated; minus strand). Cytogenetic location: 17q21.31.
Variant type: single nucleotide variant.
Coding change: c.42C>G on transcript NM_007294.4 (MANE Select); coding-DNA position 42, C replaced by G.
Protein change: p.Val14=; no amino-acid change (valine 14 retained).
Molecular consequence: synonymous variant. On other transcripts: 5 prime UTR variant (136), intron variant (36).
Genome position (GRCh38, 1-based): chr17:43,124,055, G>C on the plus strand (C>G on the coding strand, the complement: BRCA1 is on the minus strand). VCF-style: chr17-43124055-G-C. GRCh37 (hg19) VCF-style: chr17-41276072-G-C.
Other names: c.-147C>G (NM_001407916.1, NM_001407918.1, NM_001407946.1 and 46 more transcripts); c.-266C>G (NM_001407917.1, NM_001407954.1, NM_001408513.1); c.42C>G, p.Val14= (NM_001407919.1, NM_001407937.1, NM_001407938.1 and 193 more transcripts); c.-245C>G (NM_001407920.1, NM_001407697.1, NM_001407846.1); c.-219C>G (NM_001407921.1, NM_001407923.1, NM_001407927.1 and 22 more transcripts); c.-46C>G (NM_001407924.1, NM_001407925.1, NM_001407928.1 and 23 more transcripts); c.-216C>G (NM_001407930.1, NM_001407942.1, NM_001408455.1 and 11 more transcripts); c.-223C>G (NM_001407934.1, NM_001408497.1, NM_001407741.1); and 23 more.
Identifiers: ClinVar variation 865034 (VCV000865034.3), dbSNP rs80356827, ClinGen allele CA500131456.
Genomic context (GRCh38, chr17:43,124,055, plus strand): 5'-ATACACTCTTGTGCTGACTTACCAGATGGGACACTCTAAGATTTTCTGCATAGCATTAAT[G>C]ACATTTTGTACTTCTTCAACGCGAAGAGCAGATAAATCCATTTCTTTCTGTTCCAATGAA-3'
Protein context (NP_009225.1, residues 4-24): SALRVEEVQN[Val14=]INAMQKILEC